The following is an entry in ClinVar:

NM_001347721.2(DYRK1A):c.201_204del (p.Asn68fs)

Gene: DYRK1A (dual specificity tyrosine phosphorylation regulated kinase 1A; plus strand). Cytogenetic location: 21q22.13.
Variant type: Microsatellite.
Coding change: c.201_204del on transcript NM_001347721.2 (MANE Select); coding-DNA positions 201 to 204, 4 bases deleted (TAAC; older notation c.201_204delTAAC).
Protein change: p.Asn68fs; shifts the reading frame from asparagine 68.
Molecular consequence: frameshift variant.
Genome position (GRCh38, 1-based): chr21:37,472,874-37,472,877, TAAC deleted; deleting any 4 consecutive bases within chr21:37,472,869-37,472,877 gives the same sequence; the c. name uses the placement nearest the transcript's 3' end. VCF-style (leftmost placement, unchanged base first): chr21-37472868-TCTAA-T. GRCh37 (hg19) VCF-style: chr21-38845170-TCTAA-T.
Other names: c.201_204del, p.Asn68fs (NM_001347722.2, NM_001396.5, NM_101395.2 and 2 more transcripts); c.114_117del, p.Asn39fs (NM_001347723.2); short protein forms N68fs, N39fs.
Identifiers: ClinVar variation 598757 (VCV000598757.11), dbSNP rs1569355102, ClinGen allele CA913191029.

ClinVar aggregate classification (germline): Pathogenic/Likely pathogenic. Review status: criteria provided, multiple submitters, no conflicts (2 of 4 stars). 4 submissions from 4 submitters: Pathogenic (3); Likely pathogenic (1). Last evaluated 2025-10-01.

Conditions:
DYRK1A-related disorder.
DYRK1A-related intellectual disability syndrome (MRD7). Also called: DYRK1A Syndrome; Intellectual developmental disorder, autosomal dominant 7. Identifiers: Orphanet 464306, MedGen C5568143, MONDO:0013578, OMIM 614104.

Submissions (4):

Labcorp Genetics (formerly Invitae), Labcorp
Classification: Pathogenic for DYRK1A-related intellectual disability syndrome. Last evaluated: 2025-10-01. Review status: criteria provided, single submitter. Criteria: Invitae Variant Classification Sherloc (09022015). Collection method: clinical testing. Allele origin: germline.
Comment: This sequence change creates a premature translational stop signal (p.Asn68Argfs*2) in the DYRK1A gene. It is expected to result in an absent or disrupted protein product. Loss-of-function variants in DYRK1A are known to be pathogenic (PMID: 25944381). This variant is not present in population databases (gnomAD no frequency). This premature translational stop signal has been observed in individual(s) with DYRK1A-related conditions (PMID: 33159716). In at least one individual the variant was observed to be de novo. For these reasons, this variant has been classified as Pathogenic.

Blueprint Genetics
Classification: Likely pathogenic for DYRK1A-related disorders. Last evaluated: 2023-02-16. Review status: criteria provided, single submitter. Criteria: ACMG Guidelines, 2015. Collection method: clinical testing. Allele origin: germline. Affected: yes. Observed: 1 variant allele.

3billion
Classification: Pathogenic for DYRK1A-related intellectual disability syndrome. Last evaluated: 2022-05-22. Review status: criteria provided, single submitter. Criteria: ACMG Guidelines, 2015. Collection method: clinical testing. Allele origin: germline. Affected: yes. Observed: 1 heterozygote.
Comment: The variant is not observed in the gnomAD v2.1.1 dataset. Frameshift: predicted to result in a loss or disruption of normal protein function through nonsense-mediated decay (NMD) or protein truncation. Multiple pathogenic variants are reported downstream of the variant. The variant has been previously reported as de novo in a similarly affected individual (PMID: 33159716). The variant has been reported to be associated with DYRK1A related disorder (ClinVar ID: VCV000598757). Therefore, this variant is classified as pathogenic according to the recommendation of ACMG/AMP guideline.

Undiagnosed Diseases Network, NIH
Classification: Pathogenic for DYRK1A-related intellectual disability syndrome. Last evaluated: 2018-09-06. Review status: criteria provided, single submitter. Criteria: ACMG Guidelines, 2015. Collection method: clinical testing. Allele origin: de novo. Inheritance: Autosomal dominant inheritance. Affected: yes. Observed: 1 variant allele, 1 heterozygote.

Literature cited by the submitters: PubMed 25944381 (cited by Labcorp Genetics (formerly Invitae), Labcorp); PubMed 33159716 (cited by Labcorp Genetics (formerly Invitae), Labcorp and 3billion).